The following is an entry in ClinVar:

NM_002500.5(NEUROD1):c.453G>T (p.Trp151Cys)

Gene: NEUROD1 (neuronal differentiation 1; minus strand). Cytogenetic location: 2q31.3.
Variant type: single nucleotide variant.
Coding change: c.453G>T on transcript NM_002500.5 (MANE Select); coding-DNA position 453, G replaced by T.
Protein change: p.Trp151Cys; replaces tryptophan 151 with cysteine.
Molecular consequence: missense variant.
Genome position (GRCh38, 1-based): chr2:181,678,408, C>A on the plus strand (G>T on the coding strand, the complement: NEUROD1 is on the minus strand). VCF-style: chr2-181678408-C-A. GRCh37 (hg19) VCF-style: chr2-182543135-C-A.
Other names: short protein forms W151C.
Identifiers: ClinVar variation 4975348 (VCV004975348.1).

ClinVar aggregate classification (germline): Uncertain significance (1 of 4 stars; one submission).

gnomAD v4.1: 1 of 1,614,196 alleles (0.000062%); highest among the groups gnomAD compares: South Asian, 0.0011%; no homozygotes.

Submission:

GeneDx
Classification: Uncertain significance. Last evaluated: 2026-01-21. Review status: criteria provided, single submitter. Criteria: GeneDx Variant Classification Process June 2021. Collection method: clinical testing. Allele origin: germline.
Comment: Not observed at significant frequency in large population cohorts (gnomAD); In silico analysis supports that this missense variant has a deleterious effect on protein structure/function; Has not been previously published as pathogenic or benign to our knowledge